The following is an entry in ClinVar:

NM_000152.5(GAA):c.271G>T (p.Asp91Tyr)

Gene: GAA (alpha glucosidase; plus strand). Cytogenetic location: 17q25.3.
Variant type: single nucleotide variant.
Coding change: c.271G>T on transcript NM_000152.5 (MANE Select); coding-DNA position 271, G replaced by T.
Protein change: p.Asp91Tyr; replaces aspartic acid 91 with tyrosine.
Molecular consequence: missense variant.
Genome position (GRCh38, 1-based): chr17:80,104,857, G>T. VCF-style: chr17-80104857-G-T. GRCh37 (hg19) VCF-style: chr17-78078656-G-T.
Other names: c.271G>T, p.Asp91Tyr (NM_001079803.3, NM_001079804.3); short protein forms D91Y.
Identifiers: ClinVar variation 1370286 (VCV001370286.8), dbSNP rs1800299, ClinGen allele CA8814836.

ClinVar aggregate classification (germline): Uncertain significance (1 of 4 stars; one submission).

Conditions:
Glycogen storage disease, type II (IOPD). Also called: Pompe Disease; GLYCOGENOSIS, GENERALIZED, CARDIAC FORM; GSD II; Glycogen storage disease type 2; Acid maltase deficiency disease; Aglucosidase alfa. Identifiers: Orphanet 365, MedGen C0017921, MONDO:0009290, OMIM 232300.

Submission:

Labcorp Genetics (formerly Invitae), Labcorp
Classification: Uncertain significance for Glycogen storage disease, type II. Last evaluated: 2025-12-24. Review status: criteria provided, single submitter. Criteria: Invitae Variant Classification Sherloc (09022015). Collection method: clinical testing. Allele origin: germline.
Comment: This sequence change replaces aspartic acid, which is acidic and polar, with tyrosine, which is neutral and polar, at codon 91 of the GAA protein (p.Asp91Tyr). The frequency data for this variant in the population databases is considered unreliable, as metrics indicate poor data quality at this position in the gnomAD database. This variant has not been reported in the literature in individuals affected with GAA-related conditions. ClinVar contains an entry for this variant (Variation ID: 1370286). Invitae Evidence Modeling of protein sequence and biophysical properties (such as structural, functional, and spatial information, amino acid conservation, physicochemical variation, residue mobility, and thermodynamic stability) indicates that this missense variant is expected to disrupt GAA protein function with a positive predictive value of 95%. In summary, the available evidence is currently insufficient to determine the role of this variant in disease. Therefore, it has been classified as a Variant of Uncertain Significance.